The following is an entry in ClinVar:

NM_001486.4(GCKR):c.127A>G (p.Lys43Glu)

Gene: GCKR (glucokinase regulator; plus strand). Cytogenetic location: 2p23.3.
Variant type: single nucleotide variant.
Coding change: c.127A>G on transcript NM_001486.4 (MANE Select); coding-DNA position 127, A replaced by G.
Protein change: p.Lys43Glu; replaces lysine 43 with glutamic acid.
Molecular consequence: missense variant.
Genome position (GRCh38, 1-based): chr2:27,497,310, A>G. VCF-style: chr2-27497310-A-G. GRCh37 (hg19) VCF-style: chr2-27720177-A-G.
Other names: short protein forms K43E.
Identifiers: ClinVar variation 1356021 (VCV001356021.8), dbSNP rs149205795, ClinGen allele CA1581438.

ClinVar aggregate classification (germline): Uncertain significance (1 of 4 stars; one submission).

Allele frequency attached by ClinVar (database versions not stated): gnomAD exomes 0.00006 and 0.00011; ESP Exome Variant Server 0.00008; ExAC 0.00012; gnomAD 0.00012 and 0.00013; TOPMed 0.00022.
gnomAD v4.1: 108 of 1,613,996 alleles (0.0067%); highest among the groups gnomAD compares: Admixed American, 0.025%; no homozygotes.

Submission:

Labcorp Genetics (formerly Invitae), Labcorp
Classification: Uncertain significance. Last evaluated: 2025-12-16. Review status: criteria provided, single submitter. Criteria: Invitae Variant Classification Sherloc (09022015). Collection method: clinical testing. Allele origin: germline.
Comment: This sequence change replaces lysine, which is basic and polar, with glutamic acid, which is acidic and polar, at codon 43 of the GCKR protein (p.Lys43Glu). This variant is present in population databases (rs149205795, gnomAD 0.02%). This missense change has been observed in individual(s) with dyslipidemia (PMID: 32041611, 36325899). ClinVar contains an entry for this variant (Variation ID: 1356021). Invitae Evidence Modeling of protein sequence and biophysical properties (such as structural, functional, and spatial information, amino acid conservation, physicochemical variation, residue mobility, and thermodynamic stability) indicates that this missense variant is not expected to disrupt GCKR protein function with a negative predictive value of 80%. In summary, the available evidence is currently insufficient to determine the role of this variant in disease. Therefore, it has been classified as a Variant of Uncertain Significance.

Literature cited by the submitters: PubMed 32041611; PubMed 36325899.